The following is an entry in ClinVar:

ClinVar aggregate classification (germline): Uncertain significance (1 of 4 stars; one submission).

Conditions:
Emery-Dreifuss muscular dystrophy 5, autosomal dominant (EDMD5). Also called: EMERY-DREIFUSS MUSCULAR DYSTROPHY 5. Identifiers: Orphanet 261, MedGen C2751805, MONDO:0013072, OMIM 612999.

Submission:

Labcorp Genetics (formerly Invitae), Labcorp
Classification: Uncertain significance for Emery-Dreifuss muscular dystrophy 5, autosomal dominant. Last evaluated: 2020-02-15. Review status: criteria provided, single submitter. Criteria: Invitae Variant Classification Sherloc (09022015). Collection method: clinical testing. Allele origin: germline.
Comment: Algorithms developed to predict the effect of missense changes on protein structure and function do not agree on the potential impact of this missense change (SIFT: "Deleterious"; PolyPhen-2: "Probably Damaging"; Align-GVGD: "Class C0"). This sequence change replaces leucine with histidine at codon 6658 of the SYNE2 protein (p.Leu6658His). The leucine residue is weakly conserved and there is a moderate physicochemical difference between leucine and histidine. This variant is not present in population databases (ExAC no frequency). This variant has not been reported in the literature in individuals with SYNE2-related disease. In summary, the available evidence is currently insufficient to determine the role of this variant in disease. Therefore, it has been classified as a Variant of Uncertain Significance.

NM_182914.3(SYNE2):c.19973T>A (p.Leu6658His)

Gene: SYNE2 (spectrin repeat containing nuclear envelope protein 2; plus strand). Cytogenetic location: 14q23.2.
Variant type: single nucleotide variant.
Coding change: c.19973T>A on transcript NM_182914.3 (MANE Select); coding-DNA position 19973, T replaced by A.
Protein change: p.Leu6658His; replaces leucine 6658 with histidine.
Molecular consequence: missense variant.
Genome position (GRCh38, 1-based): chr14:64,220,549, T>A. VCF-style: chr14-64220549-T-A. GRCh37 (hg19) VCF-style: chr14-64687267-T-A.
Other names: c.19904T>A, p.Leu6635His (NM_015180.6); c.497T>A, p.Leu166His (NM_182910.2); c.875T>A, p.Leu292His (NM_182913.4); short protein forms L6658H, L166H, L292H, L6635H.
Identifiers: ClinVar variation 470962 (VCV000470962.8), dbSNP rs1555558485, ClinGen allele CA389969018.